The following is an entry in ClinVar:

ClinVar aggregate classification (germline): Uncertain significance (1 of 4 stars; one submission).

Conditions:
Baller-Gerold syndrome (BGS). Also called: CRANIOSYNOSTOSIS WITH RADIAL DEFECTS. Identifiers: Orphanet 1225, MedGen C0265308, MONDO:0009039, OMIM 218600.

Allele frequency attached by ClinVar (database versions not stated): gnomAD exomes below 0.00001.
gnomAD v4.1: 3 of 1,608,114 alleles (0.00019%); highest among the groups gnomAD compares: Non-Finnish European, 0.00025%; no homozygotes.

Submission:

Labcorp Genetics (formerly Invitae), Labcorp
Classification: Uncertain significance for Baller-Gerold syndrome. Last evaluated: 2025-07-15. Review status: criteria provided, single submitter. Criteria: Invitae Variant Classification Sherloc (09022015). Collection method: clinical testing. Allele origin: germline.
Comment: This sequence change replaces leucine, which is neutral and non-polar, with proline, which is neutral and non-polar, at codon 1010 of the RECQL4 protein (p.Leu1010Pro). This variant is not present in population databases (gnomAD no frequency). This variant has not been reported in the literature in individuals affected with RECQL4-related conditions. ClinVar contains an entry for this variant (Variation ID: 1039653). Invitae Evidence Modeling of protein sequence and biophysical properties (such as structural, functional, and spatial information, amino acid conservation, physicochemical variation, residue mobility, and thermodynamic stability) indicates that this missense variant is expected to disrupt RECQL4 protein function with a positive predictive value of 80%. In summary, the available evidence is currently insufficient to determine the role of this variant in disease. Therefore, it has been classified as a Variant of Uncertain Significance.

NM_004260.4(RECQL4):c.3029T>C (p.Leu1010Pro)

Gene: RECQL4 (RecQ like helicase 4; minus strand). Cytogenetic location: 8q24.3.
Variant type: single nucleotide variant.
Coding change: c.3029T>C on transcript NM_004260.4 (MANE Select); coding-DNA position 3029, T replaced by C.
Protein change: p.Leu1010Pro; replaces leucine 1010 with proline.
Molecular consequence: missense variant.
Genome position (GRCh38, 1-based): chr8:144,512,418, A>G on the plus strand (T>C on the coding strand, the complement: RECQL4 is on the minus strand). VCF-style: chr8-144512418-A-G. GRCh37 (hg19) VCF-style: chr8-145737801-A-G.
Other names: short protein forms L1010P.
Identifiers: ClinVar variation 1039653 (VCV001039653.5), dbSNP rs1827424443, ClinGen allele CA372671283.